The following is an entry in ClinVar:

ClinVar aggregate classification (germline): Pathogenic (1 of 4 stars; one submission).

Submission:

GeneDx
Classification: Pathogenic. Last evaluated: 2024-09-12. Review status: criteria provided, single submitter. Criteria: GeneDx Variant Classification Process June 2021. Collection method: clinical testing. Allele origin: germline. Affected: yes.
Comment: Occurs in the triple helical domain and replaces a glycine in a canonical Gly-X-Y repeat; missense substitution of a canonical glycine residue is expected to disrupt normal protein folding and function, and this is an established mechanism of disease; Not observed at significant frequency in large population cohorts (gnomAD); In silico analysis supports that this missense variant has a deleterious effect on protein structure/function; This variant is associated with the following publications: (PMID: 31523626, 36964972)

NM_001844.5(COL2A1):c.2546G>A (p.Gly849Asp)

Gene: COL2A1 (collagen type II alpha 1 chain; minus strand). Cytogenetic location: 12q13.11.
Variant type: single nucleotide variant.
Coding change: c.2546G>A on transcript NM_001844.5 (MANE Select); coding-DNA position 2546, G replaced by A.
Protein change: p.Gly849Asp; replaces glycine 849 with aspartic acid.
Molecular consequence: missense variant.
Genome position (GRCh38, 1-based): chr12:47,980,633, C>T on the plus strand (G>A on the coding strand, the complement: COL2A1 is on the minus strand). VCF-style: chr12-47980633-C-T. GRCh37 (hg19) VCF-style: chr12-48374416-C-T.
Other names: c.2339G>A, p.Gly780Asp (NM_033150.3); short protein forms G780D, G849D.
Identifiers: ClinVar variation 3769816 (VCV003769816.1).